The following is an entry in ClinVar:

ClinVar aggregate classification (germline): Conflicting classifications of pathogenicity. Review status: criteria provided, conflicting classifications (1 of 4 stars). 2 submissions from 2 submitters: Likely pathogenic (1); Uncertain significance (1). Last evaluated 2025-09-20.

Conditions:
Dilated cardiomyopathy 1G (CMD1G). Identifiers: Orphanet 154, MedGen C1858763, MONDO:0011400, OMIM 604145.
Autosomal recessive limb-girdle muscular dystrophy type 2J (LGMDR10). Also called: Limb-girdle muscular dystrophy, type 2J; MUSCULAR DYSTROPHY, LIMB-GIRDLE, AUTOSOMAL RECESSIVE 10. Identifiers: Orphanet 140922, MedGen C1837342, MONDO:0012127, OMIM 608807.

Allele frequency attached by ClinVar (database versions not stated): gnomAD exomes below 0.00001; ExAC 0.00001; ESP Exome Variant Server 0.00008.

Submissions (2):

Labcorp Genetics (formerly Invitae), Labcorp
Classification: Likely pathogenic for Dilated cardiomyopathy 1G; Autosomal recessive limb-girdle muscular dystrophy type 2J. Last evaluated: 2025-09-20. Review status: criteria provided, single submitter. Criteria: Invitae Variant Classification Sherloc (09022015). Collection method: clinical testing. Allele origin: germline.
Comment: This sequence change creates a premature translational stop signal (p.Gln4215*) in the TTN gene. While this is not anticipated to result in nonsense mediated decay, it is expected to create a truncated TTN protein. This variant is present in population databases (rs368329612, gnomAD 0.0009%). This variant has not been reported in the literature in individuals affected with TTN-related conditions. ClinVar contains an entry for this variant (Variation ID: 488907). This variant is located in the I band of TTN (PMID: 25589632). Truncating variants in this region have been reported in individuals affected with autosomal recessive centronuclear myopathy (PMID: 23975875, internal data). Truncating variants in this region have also been identified in individuals affected with autosomal dominant dilated cardiomyopathy and/or cardio-related conditions (PMID: 27869827, 32964742, internal data). In summary, the currently available evidence indicates that the variant is pathogenic, but additional data are needed to prove that conclusively. Therefore, this variant has been classified as Likely Pathogenic.

GeneDx
Classification: Uncertain significance. Last evaluated: 2016-06-09. Review status: criteria provided, single submitter. Criteria: GeneDx Variant Classification (06012015). Collection method: clinical testing. Allele origin: germline. Affected: yes.
Comment: A novel variant of uncertain significance has been identified in the TTN gene. The Q3898X variant has not been reported previously as a pathogenic variant or as a benign variant, to our knowledge. This variant was not observed with any significant frequency in approximately 5,900 individuals of European and African American ancestry in the NHLBI Exome Sequencing Project, indicating it is not a common benign variant in these populations. Q3898X is predicted to cause loss of normal protein function either due to production of an abnormal, prematurely truncated protein, or by absence of protein product due to nonsense mediated mRNA decay. However, Q3898X is not located in the A-band region of titin, where the majority of truncating pathogenic variants associated with DCM have been reported (Herman et al., 2012). Furthermore, other truncating TTN variants have been reported in approximately 3% of control alleles (Herman et al., 2012).Therefore, based on the currently available information, it is unclear whether this variant is pathogenic or benign.

Literature cited by the submitters: PubMed 25589632 (cited by Labcorp Genetics (formerly Invitae), Labcorp); PubMed 23975875 (cited by Labcorp Genetics (formerly Invitae), Labcorp); PubMed 27869827 (cited by Labcorp Genetics (formerly Invitae), Labcorp); PubMed 32964742 (cited by Labcorp Genetics (formerly Invitae), Labcorp).

NM_001267550.2(TTN):c.12643C>T (p.Gln4215Ter)

Gene: TTN (titin; minus strand). Cytogenetic location: 2q31.2.
Variant type: single nucleotide variant.
Coding change: c.12643C>T on transcript NM_001267550.2 (MANE Select); coding-DNA position 12643, C replaced by T.
Protein change: p.Gln4215Ter; replaces glutamine 4215 with a stop codon.
Molecular consequence: nonsense. On other transcripts: intron variant (1).
Genome position (GRCh38, 1-based): chr2:178,740,590, G>A on the plus strand (C>T on the coding strand, the complement: TTN is on the minus strand). VCF-style: chr2-178740590-G-A. GRCh37 (hg19) VCF-style: chr2-179605317-G-A.
Other names: c.11692C>T, p.Gln3898Ter (NM_001256850.1); c.11554C>T, p.Gln3852Ter (NM_003319.4); c.11929C>T, p.Gln3977Ter (NM_133432.3); c.12130C>T, p.Gln4044Ter (NM_133437.4); c.10361-2230C>T (NM_133378.4); short protein forms Q3898*, Q4215*, Q3977*, Q4044*, Q3852*.
Identifiers: ClinVar variation 488907 (VCV000488907.3), dbSNP rs368329612, ClinGen allele CA2002683.